The following is an entry in ClinVar:

NM_000059.4(BRCA2):c.8870A>G (p.Gln2957Arg)

Gene: BRCA2 (BRCA2 DNA repair associated; plus strand). Cytogenetic location: 13q13.1.
Variant type: single nucleotide variant.
Coding change: c.8870A>G on transcript NM_000059.4 (MANE Select); coding-DNA position 8870, A replaced by G.
Protein change: p.Gln2957Arg; replaces glutamine 2957 with arginine.
Molecular consequence: missense variant.
Genome position (GRCh38, 1-based): chr13:32,379,432, A>G. VCF-style: chr13-32379432-A-G. GRCh37 (hg19) VCF-style: chr13-32953569-A-G.
Other names: short protein forms Q2957R.
Identifiers: ClinVar variation 863769 (VCV000863769.17), dbSNP rs763943647, ClinGen allele CA6941306.

ClinVar aggregate classification (germline): Conflicting classifications of pathogenicity. Review status: criteria provided, conflicting classifications (1 of 4 stars). 4 submissions from 4 submitters: Uncertain significance (3); Benign (1). Last evaluated 2025-05-27.

Conditions:
Hereditary cancer-predisposing syndrome. Also called: Hereditary Cancer Syndrome; Tumor predisposition; Neoplastic Syndromes, Hereditary; Hereditary neoplastic syndrome. Identifiers: Orphanet 140162, MedGen C0027672, MeSH D009386, MONDO:0015356.
Hereditary breast ovarian cancer syndrome. Also called: Hereditary breast and ovarian cancer syndrome; Hereditary breast and/or ovarian cancer syndrome; Hereditary breast and ovarian cancer syndrome (HBOC); Breast and ovarian cancer; Hereditary breast and ovarian cancer; BRCA1- and BRCA2-Associated Hereditary Breast and Ovarian Cancer. Identifiers: Orphanet 145, MedGen C0677776, MeSH D061325, MONDO:0003582. Disease mechanism: loss of function.

Allele frequency attached by ClinVar (database versions not stated): gnomAD exomes below 0.00001; ExAC 0.00001.

Submissions (4):

Labcorp Genetics (formerly Invitae), Labcorp
Classification: Uncertain significance for Hereditary breast ovarian cancer syndrome. Last evaluated: 2025-05-27. Review status: criteria provided, single submitter. Criteria: Invitae Variant Classification Sherloc (09022015). Collection method: clinical testing. Allele origin: germline.
Comment: This sequence change replaces glutamine, which is neutral and polar, with arginine, which is basic and polar, at codon 2957 of the BRCA2 protein (p.Gln2957Arg). This variant is present in population databases (rs763943647, gnomAD 0.0009%). This variant has not been reported in the literature in individuals affected with BRCA2-related conditions. ClinVar contains an entry for this variant (Variation ID: 863769). Invitae Evidence Modeling of protein sequence and biophysical properties (such as structural, functional, and spatial information, amino acid conservation, physicochemical variation, residue mobility, and thermodynamic stability) indicates that this missense variant is not expected to disrupt BRCA2 protein function with a negative predictive value of 95%. In summary, the available evidence is currently insufficient to determine the role of this variant in disease. Therefore, it has been classified as a Variant of Uncertain Significance.

Ambry Genetics
Classification: Benign for Hereditary cancer-predisposing syndrome. Last evaluated: 2025-05-22. Review status: criteria provided, single submitter. Criteria: Ambry Variant Classification Scheme 2023. Collection method: clinical testing. Allele origin: germline.

Color Diagnostics, LLC DBA Color Health
Classification: Uncertain significance for Hereditary cancer-predisposing syndrome. Last evaluated: 2023-06-20. Review status: criteria provided, single submitter. Criteria: ACMG Guidelines, 2015. Collection method: clinical testing. Allele origin: germline.
Comment: This missense variant replaces glutamine with arginine at codon 2957 of the BRCA2 protein. Computational prediction suggests that this variant may not impact protein structure and function (internally defined REVEL score threshold <= 0.5, PMID: 27666373). To our knowledge, functional studies have not been reported for this variant. This variant has not been reported in individuals affected with BRCA2-related disorders in the literature. This variant has been identified in 1/250598 chromosomes in the general population by the Genome Aggregation Database (gnomAD). The available evidence is insufficient to determine the role of this variant in disease conclusively. Therefore, this variant is classified as a Variant of Uncertain Significance.

Quest Diagnostics Nichols Institute San Juan Capistrano
Classification: Uncertain significance. Last evaluated: 2021-02-19. Review status: criteria provided, single submitter. Criteria: Quest Diagnostics criteria. Collection method: clinical testing. Allele origin: unknown.